The following is an entry in ClinVar:

ClinVar aggregate classification (germline): Uncertain significance (1 of 4 stars; one submission).

Allele frequency attached by ClinVar (database versions not stated): gnomAD 0.00001.

Submission:

Women's Health and Genetics/Laboratory Corporation of America, LabCorp
Classification: Uncertain significance. Last evaluated: 2024-01-11. Review status: criteria provided, single submitter. Criteria: LabCorp Variant Classification Summary - May 2015. Collection method: clinical testing. Allele origin: germline.
Comment: Variant summary: TWNK c.2005G>C (p.Gly669Arg) results in a non-conservative amino acid change in the encoded protein sequence. Four of five in-silico tools predict a benign effect of the variant on protein function. The frequency data for this variant in gnomAD is considered unreliable, as metrics indicate poor data quality at this position. To our knowledge, no occurrence of c.2005G>C in individuals affected with Infantile Onset Spinocerebellar Ataxia and no experimental evidence demonstrating its impact on protein function have been reported. No submitters have cited clinical-significance assessments for this variant to ClinVar. Based on the evidence outlined above, the variant was classified as uncertain significance.

NM_021830.5(TWNK):c.2005G>C (p.Gly669Arg)

Gene: TWNK (twinkle mtDNA helicase; plus strand). Cytogenetic location: 10q24.31.
Variant type: single nucleotide variant.
Coding change: c.2005G>C on transcript NM_021830.5 (MANE Select); coding-DNA position 2005, G replaced by C.
Protein change: p.Gly669Arg; replaces glycine 669 with arginine.
Molecular consequence: missense variant. On other transcripts: 3 prime UTR variant (2), non-coding transcript variant (5).
Genome position (GRCh38, 1-based): chr10:100,993,460, G>C. VCF-style: chr10-100993460-G-C. GRCh37 (hg19) VCF-style: chr10-102753217-G-C.
Other names: c.*300G>C (NM_001163812.2, NM_001163814.2); c.643G>C, p.Gly215Arg (NM_001163813.2, NM_001368275.1); short protein forms G215R, G669R.
Identifiers: ClinVar variation 3063861 (VCV003063861.1), dbSNP rs1851842282, ClinGen allele CA378212868.